The following is an entry in ClinVar:

NM_001393997.1(CCAR2):c.2373G>A (p.Lys791=)

Gene: CCAR2 (cell cycle and apoptosis regulator 2; plus strand). Cytogenetic location: 8p21.3.
Variant type: single nucleotide variant.
Coding change: c.2373G>A on transcript NM_001393997.1 (MANE Select); coding-DNA position 2373, G replaced by A.
Protein change: p.Lys791=; no amino-acid change (lysine 791 retained).
Molecular consequence: synonymous variant.
Genome position (GRCh38, 1-based): chr8:22,618,867, G>A. VCF-style: chr8-22618867-G-A. GRCh37 (hg19) VCF-style: chr8-22476380-G-A.
Other names: c.2370G>A, p.Lys790= (NM_001363068.2, NM_001363069.2); c.2373G>A, p.Lys791= (NM_021174.6).
Identifiers: ClinVar variation 3045813 (VCV003045813.2), dbSNP rs144664542, ClinGen allele CA4671154.

ClinVar aggregate classification (germline): Likely benign (0 of 4 stars; one submission).

Conditions:
CCAR2-related disorder. Also called: CCAR2-related condition.

Allele frequency attached by ClinVar (database versions not stated): ExAC 0.00002; gnomAD 0.00002; TOPMed 0.00003.
gnomAD v4.1: 80 of 1,613,906 alleles (0.005%); highest among the groups gnomAD compares: South Asian, 0.015%; 1 homozygote.

Submission:

PreventionGenetics, part of Exact Sciences
Classification: Likely benign for CCAR2-related condition. Last evaluated: 2019-11-07. Review status: no assertion criteria provided. Collection method: clinical testing. Allele origin: germline.
Comment: This variant is classified as likely benign based on ACMG/AMP sequence variant interpretation guidelines (Richards et al. 2015 PMID: 25741868, with internal and published modifications).